The following is an entry in ClinVar:

NM_007294.4(BRCA1):c.4946G>T (p.Arg1649Ile)

Gene: BRCA1 (BRCA1 DNA repair associated; minus strand). Cytogenetic location: 17q21.31.
Variant type: single nucleotide variant.
Coding change: c.4946G>T on transcript NM_007294.4 (MANE Select); coding-DNA position 4946, G replaced by T.
Protein change: p.Arg1649Ile; replaces arginine 1649 with isoleucine.
Molecular consequence: missense variant. On other transcripts: non-coding transcript variant (1).
Genome position (GRCh38, 1-based): chr17:43,070,968, C>A on the plus strand (G>T on the coding strand, the complement: BRCA1 is on the minus strand). VCF-style: chr17-43070968-C-A. GRCh37 (hg19) VCF-style: chr17-41222985-C-A.
Other names: c.4733G>T, p.Arg1578Ile (NM_001407571.1, NM_001407906.1, NM_001407907.1 and 12 more transcripts); c.5012G>T, p.Arg1671Ile (NM_001407581.1, NM_001407582.1); c.5009G>T, p.Arg1670Ile (NM_001407583.1, NM_001407585.1, NM_001407587.1 and 1 more transcripts); c.5006G>T, p.Arg1669Ile (NM_001407590.1, NM_001407591.1); c.4946G>T, p.Arg1649Ile (NM_001407593.1, NM_001407684.1, NM_001407854.1 and 8 more transcripts); c.4943G>T, p.Arg1648Ile (NM_001407613.1, NM_001407614.1, NM_001407615.1 and 17 more transcripts); c.4940G>T, p.Arg1647Ile (NM_001407632.1, NM_001407633.1, NM_001407634.1 and 14 more transcripts); c.4868G>T, p.Arg1623Ile (NM_001407654.1, NM_001407655.1, NM_001407653.1); and 70 more; short protein forms R1670I, R545I, R1602I, R1649I, R1495I, R1520I, R1559I, R1579I.
Identifiers: ClinVar variation 868866 (VCV000868866.3), dbSNP rs876660509, ClinGen allele CA10591631.

Conditions:
Breast-ovarian cancer, familial, susceptibility to, 1 (BROVCA1). Also called: BRCA1 Hereditary Breast and Ovarian Cancer; OVARIAN CANCER, SUSCEPTIBILITY TO. Identifiers: Orphanet 145, MedGen C2676676, MONDO:0011450, OMIM 604370. Disease mechanism: loss of function.

gnomAD v4.1: 1 of 1,614,240 alleles (0.000062%); highest among the groups gnomAD compares: South Asian, 0.0011%; no homozygotes.

Submission:

Brotman Baty Institute, University of Washington
No classification provided (evidence only). Condition: Breast-ovarian cancer, familial 1. Review status: no classification provided. Collection method: in vitro. Allele origin: not applicable. Functional consequence: functionally_normal.
ClinVar note: "not provided" was previously submitted as the classification for the variant. However, the classification appeared to be based only on an observation of functional data so it was converted to no classification on 2025-07-30.